The following is an entry in ClinVar:

ClinVar aggregate classification (germline): Uncertain significance (1 of 4 stars; one submission).

Conditions:
Wilms tumor 1 (WT1). Also called: Wilms tumor, somatic. Identifiers: Orphanet 654, MedGen CN033288, MONDO:0008679, OMIM 194070.

Allele frequency attached by ClinVar (database versions not stated): gnomAD exomes below 0.00001.
gnomAD v4.1: 1 of 1,211,028 alleles (0.000083%); highest among the groups gnomAD compares: South Asian, 0.0018%; no homozygotes.

Submission:

Labcorp Genetics (formerly Invitae), Labcorp
Classification: Uncertain significance for Wilms tumor 1. Last evaluated: 2022-07-12. Review status: criteria provided, single submitter. Criteria: Invitae Variant Classification Sherloc (09022015). Collection method: clinical testing. Allele origin: germline.
Comment: This sequence change replaces leucine, which is neutral and non-polar, with valine, which is neutral and non-polar, at codon 174 of the GPC3 protein (p.Leu174Val). This variant is not present in population databases (gnomAD no frequency). This variant has not been reported in the literature in individuals affected with GPC3-related conditions. ClinVar contains an entry for this variant (Variation ID: 641491). Algorithms developed to predict the effect of missense changes on protein structure and function (SIFT, PolyPhen-2, Align-GVGD) all suggest that this variant is likely to be disruptive. In summary, the available evidence is currently insufficient to determine the role of this variant in disease. Therefore, it has been classified as a Variant of Uncertain Significance.

NM_004484.4(GPC3):c.520C>G (p.Leu174Val)

Gene: GPC3 (glypican 3; minus strand). Cytogenetic location: Xq26.2.
Variant type: single nucleotide variant.
Coding change: c.520C>G on transcript NM_004484.4 (MANE Select); coding-DNA position 520, C replaced by G.
Protein change: p.Leu174Val; replaces leucine 174 with valine.
Molecular consequence: missense variant.
Genome position (GRCh38, 1-based): chrX:133,753,994, G>C on the plus strand (C>G on the coding strand, the complement: GPC3 is on the minus strand). VCF-style: chrX-133753994-G-C. GRCh37 (hg19) VCF-style: chrX-132888021-G-C.
Other names: c.520C>G, p.Leu174Val (NM_001164617.2); c.472C>G, p.Leu158Val (NM_001164618.2); c.358C>G, p.Leu120Val (NM_001164619.2); short protein forms L158V, L174V, L120V.
Identifiers: ClinVar variation 641491 (VCV000641491.9), dbSNP rs1603240710, ClinGen allele CA414706436.